The following is an entry in ClinVar:

NM_005219.5(DIAPH1):c.117+14C>T

Gene: DIAPH1 (diaphanous related formin 1; minus strand). Cytogenetic location: 5q31.3.
Variant type: single nucleotide variant.
Coding change: c.117+14C>T on transcript NM_005219.5 (MANE Select); 14 bases into the intron after coding-DNA position 117, C replaced by T.
Molecular consequence: intron variant.
Genome position (GRCh38, 1-based): chr5:141,618,784, G>A on the plus strand (C>T on the coding strand, the complement: DIAPH1 is on the minus strand). VCF-style: chr5-141618784-G-A. GRCh37 (hg19) VCF-style: chr5-140998351-G-A.
Other names: c.117+14C>T (NM_001079812.3, NM_001314007.2).
Identifiers: ClinVar variation 45212 (VCV000045212.24), dbSNP rs2074913, ClinGen allele CA135747.
Genomic context (GRCh38, chr5:141,618,784, plus strand): 5'-CCCCAGGGGCCGGCTGCAGGGGTCCAGAGGGCGGTTACGGGGCCAGGCAGGAGCGGGATG[G>A]GAGGGACACTCACAAATTTCTTAGATTTGCCGCCGTCGCCGCCCGCCGAGGGCAGCTCAT-3'

ClinVar aggregate classification (germline): Benign. Review status: criteria provided, multiple submitters, no conflicts (2 of 4 stars). 6 submissions from 6 submitters: Benign (6). Last evaluated 2026-02-04.

Conditions:
Progressive microcephaly-seizures-cortical blindness-developmental delay syndrome. Also called: Seizures, cortical blindness, and microcephaly syndrome. Identifiers: Orphanet 477814, MedGen C5567650, MONDO:0014714, OMIM 616632.
Autosomal dominant nonsyndromic hearing loss 1. Also called: KONIGSMARK SYNDROME; DEAFNESS, AUTOSOMAL DOMINANT 1, WITH OR WITHOUT THROMBOCYTOPENIA. Identifiers: Orphanet 90635, MedGen C1852282, MONDO:0007424, OMIM 124900.

Allele frequency attached by ClinVar (database versions not stated): gnomAD exomes 0.06267 and 0.06921; 1000 Genomes Project 30x 0.03685; 1000 Genomes Project 0.03734; TOPMed 0.04771; ESP Exome Variant Server 0.05532; gnomAD 0.05755 and 0.05773; ExAC 0.08174.

Submissions (6):

Labcorp Genetics (formerly Invitae), Labcorp
Classification: Benign for Progressive microcephaly-seizures-cortical blindness-developmental delay syndrome; Autosomal dominant nonsyndromic hearing loss 1. Last evaluated: 2026-02-04. Review status: criteria provided, single submitter. Criteria: Invitae Variant Classification Sherloc (09022015). Collection method: clinical testing. Allele origin: germline.

GeneDx
Classification: Benign. Last evaluated: 2018-07-11. Review status: criteria provided, single submitter. Criteria: GeneDx Variant Classification Process June 2021. Collection method: clinical testing. Allele origin: germline. Affected: yes.

Illumina Laboratory Services, Illumina
Classification: Benign for Autosomal dominant nonsyndromic hearing loss 1. Last evaluated: 2018-01-12. Review status: criteria provided, single submitter. Criteria: ICSL Variant Classification Criteria 13 December 2019. Collection method: clinical testing. Allele origin: germline.
Comment: This variant was observed in the ICSL laboratory as part of a predisposition screen in an ostensibly healthy population. It had not been previously curated by ICSL or reported in the Human Gene Mutation Database (HGMD: prior to June 1st, 2018), and was therefore a candidate for classification through an automated scoring system. Utilizing variant allele frequency, disease prevalence and penetrance estimates, and inheritance mode, an automated score was calculated to assess if this variant is too frequent to cause the disease. Based on the score and internal cut-off values, a variant classified as benign is not then subjected to further curation. The score for this variant resulted in a classification of benign for this disease.

Eurofins Ntd Llc (ga)
Classification: Benign. Last evaluated: 2016-01-25. Review status: criteria provided, single submitter. Criteria: EGL Classification Definitions 2015. Collection method: clinical testing. Allele origin: germline. Observed: 7 variant alleles, 5 heterozygotes, 2 homozygotes.

Laboratory for Molecular Medicine, Mass General Brigham Personalized Medicine
Classification: Benign. Last evaluated: 2012-05-07. Review status: criteria provided, single submitter. Criteria: LMM Criteria. Collection method: clinical testing. Allele origin: germline. Observed: 154 variant alleles.
Comment: 117+14C>T in Intron 01 of DIAPH1: This variant is not expected to have clinical significance because it is not located within the conserved splice consensus seq uence and has been identified in 7.3% (459/6300) of European American chromosome s from a broad population by the NHLBI Exome Sequencing Project (dbSNP rs2074913).

PreventionGenetics, part of Exact Sciences
Classification: Benign. Review status: criteria provided, single submitter. Criteria: ACMG Guidelines, 2015. Collection method: clinical testing. Allele origin: germline.